The following is an entry in ClinVar:

ClinVar aggregate classification (germline): Uncertain significance. Review status: criteria provided, multiple submitters, no conflicts (2 of 4 stars). 2 submissions from 2 submitters: Uncertain significance (2). Last evaluated 2025-12-01.

Submissions (2):

CeGaT Center for Human Genetics Tuebingen
Classification: Uncertain significance. Last evaluated: 2025-12-01. Review status: criteria provided, single submitter. Criteria: CeGaT Center For Human Genetics Tuebingen Variant Classification Criteria Version 2. Collection method: clinical testing. Allele origin: germline. Affected: yes. Observed: 1 variant allele.
Comment: KMT2A: PP2, PP3

Labcorp Genetics (formerly Invitae), Labcorp
Classification: Uncertain significance. Last evaluated: 2024-06-10. Review status: criteria provided, single submitter. Criteria: Invitae Variant Classification Sherloc (09022015). Collection method: clinical testing. Allele origin: germline.
Comment: This sequence change replaces valine, which is neutral and non-polar, with methionine, which is neutral and non-polar, at codon 2002 of the KMT2A protein (p.Val2002Met). This variant is not present in population databases (gnomAD no frequency). This variant has not been reported in the literature in individuals affected with KMT2A-related conditions. Advanced modeling of protein sequence and biophysical properties (such as structural, functional, and spatial information, amino acid conservation, physicochemical variation, residue mobility, and thermodynamic stability) has been performed at Invitae for this missense variant, however the output from this modeling did not meet the statistical confidence thresholds required to predict the impact of this variant on KMT2A protein function. In summary, the available evidence is currently insufficient to determine the role of this variant in disease. Therefore, it has been classified as a Variant of Uncertain Significance.

NM_001197104.2(KMT2A):c.6004G>A (p.Val2002Met)

Gene: KMT2A (lysine methyltransferase 2A; plus strand). Cytogenetic location: 11q23.3.
Variant type: single nucleotide variant.
Coding change: c.6004G>A on transcript NM_001197104.2 (MANE Select); coding-DNA position 6004, G replaced by A.
Protein change: p.Val2002Met; replaces valine 2002 with methionine.
Molecular consequence: missense variant.
Genome position (GRCh38, 1-based): chr11:118,499,345, G>A. VCF-style: chr11-118499345-G-A. GRCh37 (hg19) VCF-style: chr11-118370060-G-A.
Other names: c.6094G>A, p.Val2032Met (NM_001412597.1); c.5995G>A, p.Val1999Met (NM_005933.4); short protein forms V2002M, V2032M, V1999M.
Identifiers: ClinVar variation 3634326 (VCV003634326.8).